The following is an entry in ClinVar:

ClinVar aggregate classification (germline): Uncertain significance (1 of 4 stars; one submission).

Submission:

GeneDx
Classification: Uncertain significance. Last evaluated: 2022-12-12. Review status: criteria provided, single submitter. Criteria: GeneDx Variant Classification Process June 2021. Collection method: clinical testing. Allele origin: germline. Affected: yes.
Comment: Not observed at significant frequency in large population cohorts (gnomAD); In silico analysis supports that this missense variant does not alter protein structure/function; Has not been previously published as pathogenic or benign to our knowledge

NM_000260.4(MYO7A):c.5620C>A (p.Leu1874Ile)

Gene: MYO7A (myosin VIIA; plus strand). Cytogenetic location: 11q13.5.
Variant type: single nucleotide variant.
Coding change: c.5620C>A on transcript NM_000260.4 (MANE Select); coding-DNA position 5620, C replaced by A.
Protein change: p.Leu1874Ile; replaces leucine 1874 with isoleucine.
Molecular consequence: missense variant.
Genome position (GRCh38, 1-based): chr11:77,205,601, C>A. VCF-style: chr11-77205601-C-A. GRCh37 (hg19) VCF-style: chr11-76916646-C-A.
Other names: c.5506C>A, p.Leu1836Ile (NM_001127180.2); c.5473C>A, p.Leu1825Ile (NM_001369365.1); short protein forms L1825I, L1836I, L1874I.
Identifiers: ClinVar variation 2504739 (VCV002504739.1), dbSNP rs2497707168, ClinGen allele CA381953120.